The following is an entry in ClinVar:

NM_001130438.3(SPTAN1):c.5309G>A (p.Arg1770His)

Gene: SPTAN1 (spectrin alpha, non-erythrocytic 1; plus strand). Cytogenetic location: 9q34.11.
Variant type: single nucleotide variant.
Coding change: c.5309G>A on transcript NM_001130438.3 (MANE Select); coding-DNA position 5309, G replaced by A.
Protein change: p.Arg1770His; replaces arginine 1770 with histidine.
Molecular consequence: missense variant.
Genome position (GRCh38, 1-based): chr9:128,615,792, G>A. VCF-style: chr9-128615792-G-A. GRCh37 (hg19) VCF-style: chr9-131378071-G-A.
Other names: c.5234G>A, p.Arg1745His (NM_001195532.2); c.5309G>A, p.Arg1770His (NM_001363759.2); c.5249G>A, p.Arg1750His (NM_001363765.2); c.5294G>A, p.Arg1765His (NM_003127.4); short protein forms R1745H, R1750H, R1765H, R1770H.
Identifiers: ClinVar variation 654199 (VCV000654199.11), dbSNP rs374625039, ClinGen allele CA5265421.

ClinVar aggregate classification (germline): Uncertain significance. Review status: criteria provided, multiple submitters, no conflicts (2 of 4 stars). 2 submissions from 2 submitters: Uncertain significance (2). Last evaluated 2025-07-10.

Conditions:
Early-infantile DEE. Also called: Early infantile epileptic encephalopathy with suppression bursts; Early infantile epileptic encephalopathy; Ohtahara syndrome. Identifiers: Orphanet 1934, MedGen C0393706, MONDO:0800491.

Allele frequency attached by ClinVar (database versions not stated): gnomAD exomes below 0.00001 and 0.00001; ESP Exome Variant Server 0.00008; gnomAD 0.00001; ExAC 0.00001; TOPMed 0.00002.
gnomAD v4.1: 5 of 1,614,120 alleles (0.00031%); highest among the groups gnomAD compares: Admixed American, 0.0017%; no homozygotes.

Submissions (2):

Dasa
Classification: Uncertain significance. Last evaluated: 2025-07-10. Review status: criteria provided, single submitter. Criteria: DASA Assertion Criteria. Collection method: clinical testing. Allele origin: germline.
Comment: NM_001130438.3(SPTAN1):c.5309G>A (p.Arg1770His) is a missense variant that results in the substitution of arginine with histidine. This variant is rare in population databases. Computational prediction algorithms are consistent with a benign effect. The currently available literature and clinical evidence are not sufficient to establish a definitive association between this variant and the reported condition. Therefore, this variant is classified as a variant of uncertain significance.

Labcorp Genetics (formerly Invitae), Labcorp
Classification: Uncertain significance for Early-infantile DEE. Last evaluated: 2025-02-07. Review status: criteria provided, single submitter. Criteria: Invitae Variant Classification Sherloc (09022015). Collection method: clinical testing. Allele origin: germline.
Comment: This sequence change replaces arginine, which is basic and polar, with histidine, which is basic and polar, at codon 1770 of the SPTAN1 protein (p.Arg1770His). This variant is present in population databases (rs374625039, gnomAD 0.007%). This variant has not been reported in the literature in individuals affected with SPTAN1-related conditions. ClinVar contains an entry for this variant (Variation ID: 654199). Invitae Evidence Modeling of protein sequence and biophysical properties (such as structural, functional, and spatial information, amino acid conservation, physicochemical variation, residue mobility, and thermodynamic stability) has been performed for this missense variant. However, the output from this modeling did not meet the statistical confidence thresholds required to predict the impact of this variant on SPTAN1 protein function. In summary, the available evidence is currently insufficient to determine the role of this variant in disease. Therefore, it has been classified as a Variant of Uncertain Significance.